The following is an entry in ClinVar:

NM_003850.3(SUCLA2):c.29_35del (p.Leu10fs)

Genes: SUCLA2 (succinate-CoA ligase ADP-forming subunit beta; minus strand), LOC130009747 (ATAC-STARR-seq lymphoblastoid active region 7719; plus strand). Cytogenetic location: 13q14.2.
Variant type: Deletion.
Coding change: c.29_35del on transcript NM_003850.3 (MANE Select); coding-DNA positions 29 to 35, 7 bases deleted (TAGTGGC; older notation c.29_35delTAGTGGC).
Protein change: p.Leu10fs; shifts the reading frame from leucine 10.
Molecular consequence: frameshift variant.
Genome position (GRCh38, 1-based): chr13:48,001,235-48,001,241, GCCACTA deleted on the plus strand (TAGTGGC on the coding strand, the reverse complement: SUCLA2 is on the minus strand); deleting any 7 consecutive bases within chr13:48,001,235-48,001,244 gives the same sequence; the c. name uses the placement nearest the transcript's 3' end. VCF-style (leftmost placement, unchanged base first): chr13-48001234-GGCCACTA-G. GRCh37 (hg19) VCF-style: chr13-48575370-GGCCACTA-G.
Other names: short protein forms L10fs.
Identifiers: ClinVar variation 4850066 (VCV004850066.1).

ClinVar aggregate classification (germline): Likely pathogenic (1 of 4 stars; one submission).

Conditions:
Mitochondrial DNA depletion syndrome, encephalomyopathic form with methylmalonic aciduria (MTDPS5). Also called: SUCLA2-Related Mitochondrial DNA Depletion Syndrome, Encephalomyopathic Form with Methylmalonic Aciduria; Mitochondrial encephalomyopathy aminoacidopathy; MITOCHONDRIAL DNA DEPLETION SYNDROME, ENCEPHALOMYOPATHIC FORM, WITH OR WITHOUT METHYLMALONIC ACIDURIA, AUTOSOMAL RECESSIVE, SUCLA2-RELATED; Mitochondrial DNA depletion syndrome 5 (encephalomyopathic with or without methylmalonic aciduria). Identifiers: Orphanet 1933, MedGen C5980207, MONDO:0012791, OMIM 612073.

Submission:

Variantyx, Inc.
Classification: Likely pathogenic for Mitochondrial DNA depletion syndrome, encephalomyopathic form with methylmalonic aciduria. Last evaluated: 2025-11-07. Review status: criteria provided, single submitter. Criteria: Variantyx Assertion Criteria 2022. Collection method: clinical testing. Allele origin: germline. Inheritance: Autosomal recessive inheritance. Affected: no.
Comment: This is a frameshift variant in the SUCLA2 gene (OMIM: 603921). Pathogenic variants in this gene have been associated with autosomal recessive mitochondrial DNA depletion syndrome 5 (encephalomyopathic with or without methylmalonic aciduria). The alteration introduces a premature termination codon in exon 2 out of 11 and is expected to result in loss of function, which is a known disease mechanism for SUCLA2 in this disorder (PMID: 15877282, 17301081) (PVS1). It has a 0.00017% maximum allele frequency in non-founder control populations (PM2) and has not been reported in individuals with SUCLA2-related disorders in the databases available for review. Based on the current evidence, this variant is classified as likely pathogenic for autosomal recessive mitochondrial DNA depletion syndrome 5 (encephalomyopathic with or without methylmalonic aciduria).

Literature cited by the submitters: PubMed 15877282; PubMed 17301081.